The following is an entry in ClinVar:

ClinVar aggregate classification (germline): Uncertain significance (1 of 4 stars; one submission).

Submission:

ARUP Laboratories, Molecular Genetics and Genomics, ARUP Laboratories
Classification: Uncertain significance. Last evaluated: 2025-04-30. Review status: criteria provided, single submitter. Criteria: ARUP Molecular Germline Variant Investigation Process 2024. Collection method: clinical testing. Allele origin: germline.
Comment: The F8 c.7039G>C; p.Ala2347Pro variant is reported in the literature in one individual with mild hemophilia A who also carries p.Met1730Ile in the F8 gene, however, variant phase was not provided (Hallden 2012). This variant is absent from the Genome Aggregation Database (v2.1.1), indicating it is not a common polymorphism. Computational analyses are uncertain whether this variant is neutral or deleterious (REVEL: 0.664). Due to limited information, the clinical significance of the p.Ala2347Pro variant is uncertain at this time. References: Hallden C et al. Origin of Swedish hemophilia A mutations. J Thromb Haemost. 2012 Dec;10(12):2503-11. PMID: 23020595.

NM_000132.4(F8):c.7039G>C (p.Ala2347Pro)

Gene: F8 (coagulation factor VIII; minus strand). Cytogenetic location: Xq28.
Variant type: single nucleotide variant.
Coding change: c.7039G>C on transcript NM_000132.4 (MANE Select); coding-DNA position 7039, G replaced by C.
Protein change: p.Ala2347Pro; replaces alanine 2347 with proline.
Molecular consequence: missense variant.
Genome position (GRCh38, 1-based): chrX:154,837,614, C>G on the plus strand (G>C on the coding strand, the complement: F8 is on the minus strand). VCF-style: chrX-154837614-C-G. GRCh37 (hg19) VCF-style: chrX-154065889-C-G.
Other names: c.634G>C, p.Ala212Pro (NM_019863.3); short protein forms A212P, A2347P.
Identifiers: ClinVar variation 4685784 (VCV004685784.1).